The following is an entry in ClinVar:

NM_000448.3(RAG1):c.2882G>A (p.Ser961Asn)

Gene: RAG1 (recombination activating 1; plus strand). Cytogenetic location: 11p12.
Variant type: single nucleotide variant.
Coding change: c.2882G>A on transcript NM_000448.3 (MANE Select); coding-DNA position 2882, G replaced by A.
Protein change: p.Ser961Asn; replaces serine 961 with asparagine.
Molecular consequence: missense variant.
Genome position (GRCh38, 1-based): chr11:36,576,186, G>A. VCF-style: chr11-36576186-G-A. GRCh37 (hg19) VCF-style: chr11-36597736-G-A.
Other names: c.2882G>A, p.Ser961Asn (NM_001377277.1, NM_001377278.1, NM_001377279.1 and 1 more transcripts); short protein forms S961N.
Identifiers: ClinVar variation 1964903 (VCV001964903.5), dbSNP rs750498709, ClinGen allele CA380135739.

ClinVar aggregate classification (germline): Uncertain significance (1 of 4 stars; one submission).

Conditions:
Severe combined immunodeficiency, autosomal recessive, T cell-negative, B cell-negative, NK cell-positive. Also called: SCID, T CELL-NEGATIVE, B CELL-NEGATIVE, NK CELL-POSITIVE; Severe combined immunodeficiency due to complete RAG1/2 deficiency; SCID, AR, T-cell negative, B-cell negative, NK cell-positive. Identifiers: Orphanet 331206, MedGen C1832322, MONDO:0011086, OMIM 601457.
Combined immunodeficiency with skin granulomas. Identifiers: Orphanet 157949, MedGen C2673536, MONDO:0009306, OMIM 233650.

Submission:

Labcorp Genetics (formerly Invitae), Labcorp
Classification: Uncertain significance for Combined immunodeficiency with skin granulomas; Severe combined immunodeficiency, autosomal recessive, T cell-negative, B cell-negative, NK cell-positive. Last evaluated: 2022-05-12. Review status: criteria provided, single submitter. Criteria: Invitae Variant Classification Sherloc (09022015). Collection method: clinical testing. Allele origin: germline.
Comment: In summary, the available evidence is currently insufficient to determine the role of this variant in disease. Therefore, it has been classified as a Variant of Uncertain Significance. Algorithms developed to predict the effect of missense changes on protein structure and function are either unavailable or do not agree on the potential impact of this missense change (SIFT: "Deleterious"; PolyPhen-2: "Possibly Damaging"; Align-GVGD: "Class C0"). This missense change has been observed in individual(s) with severe combined immunodeficiency (PMID: 24144642). This variant is not present in population databases (gnomAD no frequency). This sequence change replaces serine, which is neutral and polar, with asparagine, which is neutral and polar, at codon 961 of the RAG1 protein (p.Ser961Asn).

Literature cited by the submitters: PubMed 24144642.